The following is an entry in ClinVar:

NM_005902.4(SMAD3):c.172C>G (p.Gln58Glu)

Gene: SMAD3 (SMAD family member 3; plus strand). Cytogenetic location: 15q22.33.
Variant type: single nucleotide variant.
Coding change: c.172C>G on transcript NM_005902.4 (MANE Select); coding-DNA position 172, C replaced by G.
Protein change: p.Gln58Glu; replaces glutamine 58 with glutamic acid.
Molecular consequence: missense variant.
Genome position (GRCh38, 1-based): chr15:67,066,326, C>G. VCF-style: chr15-67066326-C-G. GRCh37 (hg19) VCF-style: chr15-67358664-C-G.
Other names: c.172C>G, p.Gln58Glu (NM_001407011.1, NM_001407012.1, NM_001407013.1); c.172C>G (NM_005902.3); short protein forms Q58E.
Identifiers: ClinVar variation 3386004 (VCV003386004.2).

ClinVar aggregate classification (germline): Uncertain significance. Review status: criteria provided, multiple submitters, no conflicts (2 of 4 stars). 2 submissions from 2 submitters: Uncertain significance (2). Last evaluated 2025-12-16.

Conditions:
Aneurysm-osteoarthritis syndrome. Also called: SMAD3-Related Loeys-Dietz Syndrome; ANEURYSMS-OSTEOARTHRITIS SYNDROME; Loeys-Dietz syndrome, type 1C; LOEYS-DIETZ SYNDROME WITH OSTEOARTHRITIS. Identifiers: Orphanet 284984, MedGen C3151087, MONDO:0013426, OMIM 613795.
Familial thoracic aortic aneurysm and aortic dissection (TAAD). Also called: Thoracic aortic aneurysms and dissections. Identifiers: Orphanet 91387, MedGen C4707243, MONDO:0019625.

Submissions (2):

Ambry Genetics
Classification: Uncertain significance for Familial thoracic aortic aneurysm and aortic dissection. Last evaluated: 2025-12-16. Review status: criteria provided, single submitter. Criteria: Ambry Variant Classification Scheme 2023. Collection method: clinical testing. Allele origin: germline.
Comment: The p.Q58E variant (also known as c.172C>G), located in coding exon 1 of the SMAD3 gene, results from a C to G substitution at nucleotide position 172. The glutamine at codon 58 is replaced by glutamic acid, an amino acid with highly similar properties. This amino acid position is conserved. In addition, the in silico prediction for this alteration is inconclusive. Based on the available evidence, the clinical significance of this variant remains unclear.

All of Us Research Program, National Institutes of Health
Classification: Uncertain significance for Aneurysm-osteoarthritis syndrome. Last evaluated: 2024-03-24. Review status: criteria provided, single submitter. Criteria: ACMG Guidelines, 2015. Collection method: clinical testing. Allele origin: germline. Inheritance: Autosomal dominant inheritance. Observed: 1 variant allele, 1 heterozygote.
Comment: This missense variant replaces glutamine with glutamic acid at codon 58 of the SMAD3 protein. Computational prediction suggests that this variant may not impact protein structure and function (internally defined REVEL score threshold <= 0.5, PMID: 27666373). To our knowledge, functional studies have not been reported for this variant. This variant has not been reported in individuals affected with SMAD3-related disorders in the literature. This variant has not been identified in the general population by the Genome Aggregation Database (gnomAD). The available evidence is insufficient to determine the role of this variant in disease conclusively. Therefore, this variant is classified as a Variant of Uncertain Significance.

This study involves interpretation of variants in research participants for the purpose of population health screening. Participant phenotype was not available at the time of variant classification. Additional details can be found in publication PMID: 35346344, PMCID: PMC8962531